The following is an entry in ClinVar:

NC_000017.10:g.(?_3539712)_(3543571_?)del

Gene: CTNS (cystinosin, lysosomal cystine transporter; plus strand). Cytogenetic location: 17p13.2.
Variant type: Deletion.
Identifiers: ClinVar variation 1069679 (VCV001069679.3).

ClinVar aggregate classification (germline): Pathogenic (1 of 4 stars; one submission).

Conditions:
Juvenile nephropathic cystinosis. Also called: Intermediate Cystinosis; CYSTINOSIS, LATE-ONSET JUVENILE OR ADOLESCENT NEPHROPATHIC TYPE; Later-Onset (Juvenile) Cystinosis. Identifiers: Orphanet 213, Orphanet 411634, MedGen C0268626, MONDO:0009066, OMIM 219900.
Inborn genetic diseases. Identifiers: MedGen C0950123, MeSH D030342.
Ocular cystinosis. Also called: Non-Nephropathic Cystinosis; Non-Nephropathic (Ocular) Cystinosis. Identifiers: Orphanet 213, Orphanet 411641, MedGen C2931013, MONDO:0009064, OMIM 219750.

Submission:

Labcorp Genetics (formerly Invitae), Labcorp
Classification: Pathogenic for Inborn genetic diseases; Ocular cystinosis; Juvenile nephropathic cystinosis. Last evaluated: 2022-08-21. Review status: criteria provided, single submitter. Criteria: Invitae Variant Classification Sherloc (09022015). Collection method: clinical testing. Allele origin: germline.
Comment: For these reasons, this variant has been classified as Pathogenic. A similar copy number variant has been observed in individuals with cystinosis (PMID: 10625078, 10673275, 18186520). This variant is a gross deletion of the genomic region encompassing exon(s) 1-3 of the CTNS gene, which includes the initiator codon. This deletion extends beyond the assayed region for this gene and therefore may encompass additional genes. It is expected to result in an absent or disrupted protein product. Loss-of-function variants in CTNS are known to be pathogenic (PMID: 9537412, 27102039).

Literature cited by the submitters: PubMed 10625078; PubMed 10673275; PubMed 18186520; PubMed 9537412; PubMed 27102039.